The following is an entry in ClinVar:

ClinVar aggregate classification (germline): Uncertain significance (1 of 4 stars; one submission).

gnomAD v4.1: 26 of 1,550,310 alleles (0.0017%); highest among the groups gnomAD compares: Non-Finnish European, 0.0023%; no homozygotes.

Submission:

Labcorp Genetics (formerly Invitae), Labcorp
Classification: Uncertain significance. Last evaluated: 2025-08-11. Review status: criteria provided, single submitter. Criteria: Invitae Variant Classification Sherloc (09022015). Collection method: clinical testing. Allele origin: germline.
Comment: This sequence change replaces alanine, which is neutral and non-polar, with valine, which is neutral and non-polar, at codon 1672 of the ZNF469 protein (p.Ala1672Val). This variant is present in population databases (no rsID available, gnomAD 0.002%). This variant has not been reported in the literature in individuals affected with ZNF469-related conditions. An algorithm developed to predict the effect of missense changes on protein structure and function outputs the following: PolyPhen-2: "Benign". The valine amino acid residue is found in multiple mammalian species, which suggests that this missense change does not adversely affect protein function. In summary, the available evidence is currently insufficient to determine the role of this variant in disease. Therefore, it has been classified as a Variant of Uncertain Significance.

NM_001367624.2(ZNF469):c.5099C>T (p.Ala1700Val)

Gene: ZNF469 (zinc finger protein 469; plus strand). Cytogenetic location: 16q24.2.
Variant type: single nucleotide variant.
Coding change: c.5099C>T on transcript NM_001367624.2 (MANE Select); coding-DNA position 5099, C replaced by T.
Protein change: p.Ala1700Val; replaces alanine 1700 with valine.
Molecular consequence: missense variant.
Genome position (GRCh38, 1-based): chr16:88,432,569, C>T. VCF-style: chr16-88432569-C-T. GRCh37 (hg19) VCF-style: chr16-88498977-C-T.
Other names: short protein forms A1700V.
Identifiers: ClinVar variation 4802537 (VCV004802537.1).